The following is an entry in ClinVar:

Conditions:
Long QT syndrome 5 (LQT5). Identifiers: Orphanet 101016, Orphanet 768, MedGen C1867904, MONDO:0013372, OMIM 613695.

Submission:

Roden Lab, Vanderbilt University Medical Center
No classification provided (evidence only). Condition: Long QT syndrome 5. Review status: no classification provided. Collection method: in vitro. Allele origin: not applicable. Functional consequence: Effect on ion channel function.
ClinVar note: "not provided" was previously submitted as the classification for the variant. However, the classification appeared to be based only on an observation of functional data so it was converted to no classification on 2025-07-30.

NM_000219.6(KCNE1):c.155G>A (p.Gly52Glu)

Gene: KCNE1 (potassium voltage-gated channel subfamily E regulatory subunit 1; minus strand). Cytogenetic location: 21q22.12.
Variant type: single nucleotide variant.
Coding change: c.155G>A on transcript NM_000219.6 (MANE Select); coding-DNA position 155, G replaced by A.
Protein change: p.Gly52Glu; replaces glycine 52 with glutamic acid.
Molecular consequence: missense variant.
Genome position (GRCh38, 1-based): chr21:34,449,480, C>T on the plus strand (G>A on the coding strand, the complement: KCNE1 is on the minus strand). VCF-style: chr21-34449480-C-T. GRCh37 (hg19) VCF-style: chr21-35821778-C-T.
Other names: c.155G>A, p.Gly52Glu (NM_001127668.4, NM_001127669.4, NM_001127670.4 and 4 more transcripts); short protein forms G52E.
Identifiers: ClinVar variation 3374191 (VCV003374191.2).
Genomic context (GRCh38, chr21:34,449,480, plus strand): 5'-TCCAGCTTCTTGGAGCGGATGTAGCTCAGCATGATGCCCAGGGTGAAGAAGCCGAAGAAT[C>T]CCAGTACCATGAGGACGTAGAGGGCCTCCAGCTTGCCGTCACTGCTGCGGGGGGACCTGC-3'
Protein context (NP_000210.2, residues 42-62): LEALYVLMVL[Gly52Glu]FFGFFTLGIM